The following is an entry in ClinVar:

NM_030930.4(UNC93B1):c.382G>T (p.Val128Leu)

Gene: UNC93B1 (unc-93B1 regulator of TLR signaling; minus strand). Cytogenetic location: 11q13.2.
Variant type: single nucleotide variant.
Coding change: c.382G>T on transcript NM_030930.4 (MANE Select); coding-DNA position 382, G replaced by T.
Protein change: p.Val128Leu; replaces valine 128 with leucine.
Molecular consequence: missense variant.
Genome position (GRCh38, 1-based): chr11:68,003,032, C>A on the plus strand (G>T on the coding strand, the complement: UNC93B1 is on the minus strand). VCF-style: chr11-68003032-C-A. GRCh37 (hg19) VCF-style: chr11-67770502-C-A.
Other names: short protein forms V128L.
Identifiers: ClinVar variation 1054537 (VCV001054537.7), dbSNP rs780157196, ClinGen allele CA381578007.

ClinVar aggregate classification (germline): Uncertain significance (1 of 4 stars; one submission).

Conditions:
Encephalopathy, acute, infection-induced (herpes-specific), susceptibility to, 1. Also called: Herpes simplex encephalitis, susceptibility to, 1. Identifiers: Orphanet 1930, MedGen C2750180, MONDO:0024563, OMIM 610551.

gnomAD v4.1: 1 of 1,611,756 alleles (0.000062%); highest among the groups gnomAD compares: Non-Finnish European, 0.000085%; no homozygotes.

Submission:

Labcorp Genetics (formerly Invitae), Labcorp
Classification: Uncertain significance for Encephalopathy, acute, infection-induced (herpes-specific), susceptibility to, 1. Last evaluated: 2020-06-15. Review status: criteria provided, single submitter. Criteria: Invitae Variant Classification Sherloc (09022015). Collection method: clinical testing. Allele origin: germline.
Comment: In summary, the available evidence is currently insufficient to determine the role of this variant in disease. Therefore, it has been classified as a Variant of Uncertain Significance. Experimental studies and prediction algorithms are not available or were not evaluated, and the functional significance of this variant is currently unknown. This variant has not been reported in the literature in individuals with UNC93B1-related conditions. This variant is not present in population databases (ExAC no frequency). This sequence change replaces valine with leucine at codon 128 of the UNC93B1 protein (p.Trp137Leu). The valine residue is moderately conserved and there is a small physicochemical difference between valine and leucine.